The following is an entry in ClinVar:

ClinVar aggregate classification (germline): Uncertain significance (1 of 4 stars; one submission).

gnomAD v4.1: 1 of 1,211,600 alleles (0.000083%); highest among the groups gnomAD compares: African/African-American, 0.0017%; no homozygotes.

Submission:

GeneDx
Classification: Uncertain significance. Last evaluated: 2024-08-28. Review status: criteria provided, single submitter. Criteria: GeneDx Variant Classification Process June 2021. Collection method: clinical testing. Allele origin: germline. Affected: yes.
Comment: In silico analysis indicates that this missense variant does not alter protein structure/function; Has not been previously published as pathogenic or benign to our knowledge

NM_001039591.3(USP9X):c.4775G>T (p.Gly1592Val)

Gene: USP9X (ubiquitin specific peptidase 9 X-linked; plus strand). Cytogenetic location: Xp11.4.
Variant type: single nucleotide variant.
Coding change: c.4775G>T on transcript NM_001039591.3 (MANE Select); coding-DNA position 4775, G replaced by T.
Protein change: p.Gly1592Val; replaces glycine 1592 with valine.
Molecular consequence: missense variant.
Genome position (GRCh38, 1-based): chrX:41,201,231, G>T. VCF-style: chrX-41201231-G-T. GRCh37 (hg19) VCF-style: chrX-41060484-G-T.
Other names: c.4775G>T, p.Gly1592Val (NM_001039590.3); c.4790G>T, p.Gly1597Val (NM_001410748.1, NM_001410749.1); short protein forms G1592V, G1597V.
Identifiers: ClinVar variation 3765962 (VCV003765962.1).